The following is an entry in ClinVar:

NM_020320.5(RARS2):c.295A>G (p.Lys99Glu)

Gene: RARS2 (arginyl-tRNA synthetase 2, mitochondrial; minus strand). Cytogenetic location: 6q15.
Variant type: single nucleotide variant.
Coding change: c.295A>G on transcript NM_020320.5 (MANE Select); coding-DNA position 295, A replaced by G.
Protein change: p.Lys99Glu; replaces lysine 99 with glutamic acid.
Molecular consequence: missense variant. On other transcripts: 5 prime UTR variant (7), non-coding transcript variant (23).
Genome position (GRCh38, 1-based): chr6:87,562,704, T>C on the plus strand (A>G on the coding strand, the complement: RARS2 is on the minus strand). VCF-style: chr6-87562704-T-C. GRCh37 (hg19) VCF-style: chr6-88272422-T-C.
Other names: c.-175A>G (NM_001318785.2, NM_001350509.2); c.295A>G, p.Lys99Glu (NM_001350505.2); c.-231A>G (NM_001350506.2, NM_001350507.2, NM_001350510.2 and 1 more transcripts); c.-393A>G (NM_001350508.2); short protein forms K99E.
Identifiers: ClinVar variation 3632906 (VCV003632906.2).
Genomic context (GRCh38, chr6:87,562,704, plus strand): 5'-ACTGTGGCTGAAGCAGACAGAATGAAAGCACAATGGCTGGATATTAACTTATTCTTACCT[T>C]TGTTAAGAGCTCTCTGTTTATTTTGAAATTTACAGTCCTTTGACCAGTACTGATTTCACT-3'
Protein context (NP_064716.2, residues 89-109): NFKINRELLT[Lys99Glu]TVLQQVIEDG

ClinVar aggregate classification (germline): Uncertain significance (1 of 4 stars; one submission).

Submission:

Labcorp Genetics (formerly Invitae), Labcorp
Classification: Uncertain significance. Last evaluated: 2024-10-22. Review status: criteria provided, single submitter. Criteria: Invitae Variant Classification Sherloc (09022015). Collection method: clinical testing. Allele origin: germline.
Comment: This sequence change replaces lysine, which is basic and polar, with glutamic acid, which is acidic and polar, at codon 99 of the RARS2 protein (p.Lys99Glu). This variant is not present in population databases (gnomAD no frequency). This variant has not been reported in the literature in individuals affected with RARS2-related conditions. Invitae Evidence Modeling of protein sequence and biophysical properties (such as structural, functional, and spatial information, amino acid conservation, physicochemical variation, residue mobility, and thermodynamic stability) indicates that this missense variant is not expected to disrupt RARS2 protein function with a negative predictive value of 95%. In summary, the available evidence is currently insufficient to determine the role of this variant in disease. Therefore, it has been classified as a Variant of Uncertain Significance.